The following is an entry in ClinVar:

ClinVar aggregate classification (germline): Uncertain significance. Review status: criteria provided, multiple submitters, no conflicts (2 of 4 stars). 2 submissions from 2 submitters: Uncertain significance (2). Last evaluated 2025-01-21.

Conditions:
UROC1-related disorder. Also called: UROC1-related condition.

Allele frequency attached by ClinVar (database versions not stated): ExAC 0.00008; ESP Exome Variant Server 0.00023; TOPMed 0.00029; gnomAD 0.00031.
gnomAD v4.1: 95 of 1,614,112 alleles (0.0059%); highest among the groups gnomAD compares: African/African-American, 0.084%; no homozygotes.

Submissions (2):

PreventionGenetics, part of Exact Sciences
Classification: Uncertain significance for UROC1-related condition. Last evaluated: 2025-01-21. Review status: criteria provided, single submitter. Criteria: ACMG Guidelines, 2015. Collection method: clinical testing. Allele origin: germline.
Comment: The UROC1 c.1085C>T variant is predicted to result in the amino acid substitution p.Thr362Met. To our knowledge, this variant has not been reported in the literature. This variant is reported in 0.068% of alleles in individuals of African descent in gnomAD which may be too frequent for an undocumented disease-causing variant. Although we suspect that this variant may be benign, at this time, the clinical significance of this variant is uncertain due to the absence of conclusive functional and genetic evidence.

Ambry Genetics
Classification: Uncertain significance. Last evaluated: 2024-10-08. Review status: criteria provided, single submitter. Criteria: Ambry Variant Classification Scheme 2023. Collection method: clinical testing. Allele origin: germline.

NM_144639.3(UROC1):c.1085C>T (p.Thr362Met)

Gene: UROC1 (urocanate hydratase 1; minus strand). Cytogenetic location: 3q21.3.
Variant type: single nucleotide variant.
Coding change: c.1085C>T on transcript NM_144639.3 (MANE Select); coding-DNA position 1085, C replaced by T.
Protein change: p.Thr362Met; replaces threonine 362 with methionine.
Molecular consequence: missense variant.
Genome position (GRCh38, 1-based): chr3:126,500,755, G>A on the plus strand (C>T on the coding strand, the complement: UROC1 is on the minus strand). VCF-style: chr3-126500755-G-A. GRCh37 (hg19) VCF-style: chr3-126219598-G-A.
Other names: c.1265C>T, p.Thr422Met (NM_001165974.2); short protein forms T422M, T362M.
Identifiers: ClinVar variation 2362891 (VCV002362891.4), dbSNP rs149908649, ClinGen allele CA2591195.